The following is an entry in ClinVar:

NM_152906.7(TANGO2):c.602A>C (p.Glu201Ala)

Gene: TANGO2 (transport and golgi organization 2 homolog; plus strand). Cytogenetic location: 22q11.21.
Variant type: single nucleotide variant.
Coding change: c.602A>C on transcript NM_152906.7 (MANE Select); coding-DNA position 602, A replaced by C.
Protein change: p.Glu201Ala; replaces glutamic acid 201 with alanine.
Molecular consequence: missense variant. On other transcripts: non-coding transcript variant (3), intron variant (4).
Genome position (GRCh38, 1-based): chr22:20,061,680, A>C. VCF-style: chr22-20061680-A-C. GRCh37 (hg19) VCF-style: chr22-20049203-A-C.
Other names: c.602A>C, p.Glu201Ala (NM_001283106.3, NM_001283116.3, NM_001283148.3 and 2 more transcripts); c.725A>C, p.Glu242Ala (NM_001283129.3, NM_001322141.2, NM_001322143.2 and 1 more transcripts); c.416A>C, p.Glu139Ala (NM_001283179.3, NM_001283186.3, NM_001322163.2 and 3 more transcripts); c.308A>C, p.Glu103Ala (NM_001283235.3, NM_001322171.2, NM_001322172.2 and 6 more transcripts); c.500A>C, p.Glu167Ala (NM_001322160.2, NM_001322146.2, NM_001322148.2); c.381-1658A>C (NM_001283199.3); c.575-2862A>C (NM_001283215.3); c.504-1658A>C (NM_001322149.2); and 3 more; short protein forms E201A, E103A, E180A, E139A, E167A, E242A.
Identifiers: ClinVar variation 1355938 (VCV001355938.6), dbSNP rs2147800886, ClinGen allele CA410699590.

ClinVar aggregate classification (germline): Uncertain significance. Review status: criteria provided, multiple submitters, no conflicts (2 of 4 stars). 2 submissions from 2 submitters: Uncertain significance (2). Last evaluated 2025-08-11.

Conditions:
Inborn genetic diseases. Identifiers: MedGen C0950123, MeSH D030342.

Submissions (2):

Ambry Genetics
Classification: Uncertain significance for Inborn genetic diseases. Last evaluated: 2025-08-11. Review status: criteria provided, single submitter. Criteria: Ambry Variant Classification Scheme 2023. Collection method: clinical testing. Allele origin: germline.

Labcorp Genetics (formerly Invitae), Labcorp
Classification: Uncertain significance. Last evaluated: 2022-10-25. Review status: criteria provided, single submitter. Criteria: Invitae Variant Classification Sherloc (09022015). Collection method: clinical testing. Allele origin: germline.
Comment: This sequence change replaces glutamic acid, which is acidic and polar, with alanine, which is neutral and non-polar, at codon 201 of the TANGO2 protein (p.Glu201Ala). This variant is not present in population databases (gnomAD no frequency). This variant has not been reported in the literature in individuals affected with TANGO2-related conditions. ClinVar contains an entry for this variant (Variation ID: 1355938). Algorithms developed to predict the effect of missense changes on protein structure and function are either unavailable or do not agree on the potential impact of this missense change (SIFT: "Not Available"; PolyPhen-2: "Possibly Damaging"; Align-GVGD: "Not Available"). In summary, the available evidence is currently insufficient to determine the role of this variant in disease. Therefore, it has been classified as a Variant of Uncertain Significance.